The following is an entry in ClinVar:

ClinVar aggregate classification (germline): Pathogenic (1 of 4 stars; one submission).

Submission:

Labcorp Genetics (formerly Invitae), Labcorp
Classification: Pathogenic. Last evaluated: 2023-09-25. Review status: criteria provided, single submitter. Criteria: Invitae Variant Classification Sherloc (09022015). Collection method: clinical testing. Allele origin: unknown.
Comment: This variant is a gross deletion of the genomic region encompassing exon(s) 36 of the USH2A gene. This deletion is out-of-frame, and is expected to create a premature termination codon and result in an absent or disrupted protein product. Loss-of-function variants in USH2A are known to be pathogenic (PMID: 10729113, 10909849, 20507924, 25649381). This variant has not been reported in the literature in individuals affected with USH2A-related conditions. For these reasons, this variant has been classified as Pathogenic.

Literature cited by the submitters: PubMed 10729113; PubMed 10909849; PubMed 20507924; PubMed 25649381.

NC_000001.10:g.(?_216143947)_(216144138_?)del

Gene: USH2A (usherin; minus strand). Cytogenetic location: 1q41.
Variant type: Deletion.
Identifiers: ClinVar variation 3248043 (VCV003248043.1).